The following is an entry in ClinVar:

ClinVar aggregate classification (germline): Conflicting classifications of pathogenicity. Review status: criteria provided, conflicting classifications (1 of 4 stars). 4 submissions from 4 submitters: Uncertain significance (3); Benign (1). Last evaluated 2025-09-09.

Conditions:
Hereditary cancer-predisposing syndrome. Also called: Hereditary neoplastic syndrome; Hereditary Cancer Syndrome; Neoplastic Syndromes, Hereditary; Tumor predisposition. Identifiers: Orphanet 140162, MedGen C0027672, MeSH D009386, MONDO:0015356.
Familial adenomatous polyposis 2. Also called: MYH-associated polyposis; COLORECTAL ADENOMATOUS POLYPOSIS, AUTOSOMAL RECESSIVE; ADENOMAS, MULTIPLE COLORECTAL, AUTOSOMAL RECESSIVE; MUTYH-related attenuated familial adenomatous polyposis; Adenomas, multiple colorectal; FAP type 2. Identifiers: Orphanet 220460, Orphanet 247798, MedGen C3272841, MONDO:0012041, OMIM 608456.

Allele frequency attached by ClinVar (database versions not stated): TOPMed below 0.00001; gnomAD 0.00001.

Submissions (4):

Ambry Genetics
Classification: Benign for Hereditary cancer-predisposing syndrome. Last evaluated: 2025-09-09. Review status: criteria provided, single submitter. Criteria: Ambry Variant Classification Scheme 2023. Collection method: clinical testing. Allele origin: germline.

Labcorp Genetics (formerly Invitae), Labcorp
Classification: Uncertain significance for Familial adenomatous polyposis 2. Last evaluated: 2024-04-23. Review status: criteria provided, single submitter. Criteria: Invitae Variant Classification Sherloc (09022015). Collection method: clinical testing. Allele origin: germline.
Comment: This sequence change replaces methionine, which is neutral and non-polar, with isoleucine, which is neutral and non-polar, at codon 201 of the MUTYH protein (p.Met201Ile). This variant is not present in population databases (gnomAD no frequency). This variant has not been reported in the literature in individuals affected with MUTYH-related conditions. ClinVar contains an entry for this variant (Variation ID: 481789). Algorithms developed to predict the effect of missense changes on protein structure and function output the following: SIFT: "Not Available"; PolyPhen-2: "Benign"; Align-GVGD: "Not Available". The isoleucine amino acid residue is found in multiple mammalian species, which suggests that this missense change does not adversely affect protein function. In summary, the available evidence is currently insufficient to determine the role of this variant in disease. Therefore, it has been classified as a Variant of Uncertain Significance.

Quest Diagnostics Nichols Institute San Juan Capistrano
Classification: Uncertain significance. Last evaluated: 2023-09-26. Review status: criteria provided, single submitter. Criteria: Quest Diagnostics criteria. Collection method: clinical testing. Allele origin: unknown.

Color Diagnostics, LLC DBA Color Health
Classification: Uncertain significance for Hereditary cancer-predisposing syndrome. Last evaluated: 2019-02-27. Review status: criteria provided, single submitter. Criteria: ACMG Guidelines, 2015. Collection method: clinical testing. Allele origin: germline.

Literature cited by the submitters: PubMed 35668106 (cited by Ambry Genetics and Quest Diagnostics Nichols Institute San Juan Capistrano); PubMed 40738107 (cited by Ambry Genetics).

NM_001048174.2(MUTYH):c.519G>T (p.Met173Ile)

Gene: MUTYH (mutY DNA glycosylase; minus strand). Cytogenetic location: 1p34.1.
Variant type: single nucleotide variant.
Coding change: c.519G>T on transcript NM_001048174.2 (MANE Select); coding-DNA position 519, G replaced by T.
Protein change: p.Met173Ile; replaces methionine 173 with isoleucine.
Molecular consequence: missense variant. On other transcripts: non-coding transcript variant (2).
Genome position (GRCh38, 1-based): chr1:45,332,661, C>A on the plus strand (G>T on the coding strand, the complement: MUTYH is on the minus strand). VCF-style: chr1-45332661-C-A. GRCh37 (hg19) VCF-style: chr1-45798333-C-A.
Other names: c.519G>T, p.Met173Ile (NM_001048171.2, NM_001048173.2, NM_001293195.2); c.522G>T, p.Met174Ile (NM_001048172.2); c.603G>T, p.Met201Ile (NM_001128425.2); c.564G>T, p.Met188Ile (NM_001293190.2); c.552G>T, p.Met184Ile (NM_001293191.2); c.243G>T, p.Met81Ile (NM_001293192.2, NM_001293196.2); c.174G>T, p.Met58Ile (NM_001350650.2, NM_001350651.2); c.594G>T, p.Met198Ile (NM_012222.3); short protein forms M201I, M58I, M173I, M174I, M188I, M81I, M184I, M198I.
Identifiers: ClinVar variation 481789 (VCV000481789.20), dbSNP rs1172521297, ClinGen allele CA340135414.